The following is an entry in ClinVar:

NM_033159.4(HYAL1):c.1175C>T (p.Thr392Met)

Gene: HYAL1 (hyaluronidase 1; minus strand). Cytogenetic location: 3p21.31.
Variant type: single nucleotide variant.
Coding change: c.1175C>T on transcript NM_033159.4 (MANE Select); coding-DNA position 1175, C replaced by T.
Protein change: p.Thr392Met; replaces threonine 392 with methionine.
Molecular consequence: missense variant. On other transcripts: non-coding transcript variant (1).
Genome position (GRCh38, 1-based): chr3:50,300,616, G>A on the plus strand (C>T on the coding strand, the complement: HYAL1 is on the minus strand). VCF-style: chr3-50300616-G-A. GRCh37 (hg19) VCF-style: chr3-50338047-G-A.
Other names: c.1175C>T, p.Thr392Met (NM_153281.2); c.1085C>T, p.Thr362Met (NM_153282.3); c.629C>T, p.Thr210Met (NM_153283.3); c.398C>T, p.Thr133Met (NM_153285.3); short protein forms T392M, T133M, T362M, T210M.
Identifiers: ClinVar variation 346084 (VCV000346084.23), dbSNP rs117179004, ClinGen allele CA2415716.

ClinVar aggregate classification (germline): Benign. Review status: criteria provided, multiple submitters, no conflicts (2 of 4 stars). 7 submissions from 7 submitters: Benign (4). 3 of the submissions do not count toward it. Last evaluated 2026-02-04.

Conditions:
Deficiency of hyaluronoglucosaminidase (MPS9). Also called: MPS IX; HYALURONIDASE DEFICIENCY; Mucopolysaccharidosis type 9. Identifiers: Orphanet 67041, MedGen C1291490, MONDO:0011093, OMIM 601492.
HYAL1-related disorder. Also called: HYAL1-related condition.

Allele frequency attached by ClinVar (database versions not stated): ESP Exome Variant Server 0.00031; gnomAD 0.00208 and 0.00292; ExAC 0.00613; gnomAD exomes 0.00627; TOPMed 0.00688; 1000 Genomes Project 30x 0.01312; 1000 Genomes Project 0.01338.
gnomAD v4.1: 3,444 of 1,614,200 alleles (0.21%); highest among the groups gnomAD compares: East Asian, 5.5%; 77 homozygotes.

Submissions (7):

Labcorp Genetics (formerly Invitae), Labcorp
Classification: Benign for Deficiency of hyaluronoglucosaminidase. Last evaluated: 2026-02-04. Review status: criteria provided, single submitter. Criteria: Invitae Variant Classification Sherloc (09022015). Collection method: clinical testing. Allele origin: germline.

GeneDx
Classification: Benign. Last evaluated: 2021-05-05. Review status: criteria provided, single submitter. Criteria: GeneDx Variant Classification Process June 2021. Collection method: clinical testing. Allele origin: germline. Affected: yes.
Comment: This variant is associated with the following publications: (PMID: 33942374)

Illumina Laboratory Services, Illumina
Classification: Benign for Deficiency of hyaluronoglucosaminidase. Last evaluated: 2018-01-12. Review status: criteria provided, single submitter. Criteria: ICSL Variant Classification Criteria 13 December 2019. Collection method: clinical testing. Allele origin: germline.
Comment: This variant was observed in the ICSL laboratory as part of a predisposition screen in an ostensibly healthy population. It had not been previously curated by ICSL or reported in the Human Gene Mutation Database (HGMD: prior to June 1st, 2018), and was therefore a candidate for classification through an automated scoring system. Utilizing variant allele frequency, disease prevalence and penetrance estimates, and inheritance mode, an automated score was calculated to assess if this variant is too frequent to cause the disease. Based on the score and internal cut-off values, a variant classified as benign is not then subjected to further curation. The score for this variant resulted in a classification of benign for this disease.

Breakthrough Genomics
Classification: Benign. Review status: criteria provided, single submitter. Criteria: ACMG Guidelines, 2015. Collection method: not provided. Allele origin: germline. Inheritance: Autosomal recessive inheritance. Affected: yes.

PreventionGenetics, part of Exact Sciences
Classification: Benign for HYAL1-related condition. Last evaluated: 2024-04-16. Review status: no assertion criteria provided. Collection method: clinical testing. Allele origin: germline. Not counted in ClinVar's aggregate classification.
Comment: This variant is classified as benign based on ACMG/AMP sequence variant interpretation guidelines (Richards et al. 2015 PMID: 25741868, with internal and published modifications).

Natera, Inc.
Classification: Benign for Mucopolysaccharidosis type IX. Last evaluated: 2020-09-16. Review status: no assertion criteria provided. Collection method: clinical testing. Allele origin: germline. Not counted in ClinVar's aggregate classification.

Mayo Clinic Laboratories, Mayo Clinic
Classification: Benign. Last evaluated: 2018-02-14. Review status: no assertion criteria provided. Collection method: clinical testing. Allele origin: unknown. Not counted in ClinVar's aggregate classification.